The following is an entry in ClinVar:

NM_000096.4(CP):c.928C>T (p.Arg310Cys)

Gene: CP (ceruloplasmin; minus strand). Cytogenetic location: 3q25.1.
Variant type: single nucleotide variant.
Coding change: c.928C>T on transcript NM_000096.4 (MANE Select); coding-DNA position 928, C replaced by T.
Protein change: p.Arg310Cys; replaces arginine 310 with cysteine.
Molecular consequence: missense variant. On other transcripts: non-coding transcript variant (1).
Genome position (GRCh38, 1-based): chr3:149,207,471, G>A on the plus strand (C>T on the coding strand, the complement: CP is on the minus strand). VCF-style: chr3-149207471-G-A. GRCh37 (hg19) VCF-style: chr3-148925258-G-A.
Other names: short protein forms R310C.
Identifiers: ClinVar variation 3233723 (VCV003233723.2), dbSNP rs767161351, ClinGen allele CA2661199.

ClinVar aggregate classification (germline): Uncertain significance (1 of 4 stars; one submission).

Allele frequency attached by ClinVar (database versions not stated): ExAC 0.00001; TOPMed 0.00004; gnomAD 0.00005.
gnomAD v4.1: 18 of 1,613,932 alleles (0.0011%); highest among the groups gnomAD compares: African/African-American, 0.015%; no homozygotes.

Submission:

Women's Health and Genetics/Laboratory Corporation of America, LabCorp
Classification: Uncertain significance. Last evaluated: 2024-03-28. Review status: criteria provided, single submitter. Criteria: LabCorp Variant Classification Summary - May 2015. Collection method: clinical testing. Allele origin: germline.
Comment: Variant summary: CP c.928C>T (p.Arg310Cys) results in a non-conservative amino acid change located in the Multicopper oxidase, second cupredoxin domain (IPR001117) of the encoded protein sequence. Five of five in-silico tools predict a damaging effect of the variant on protein function. The variant allele was found at a frequency of 8e-06 in 251222 control chromosomes (gnomAD). The available data on variant occurrences in the general population are insufficient to allow any conclusion about variant significance. To our knowledge, no occurrence of c.928C>T in individuals affected with Neurodegeneration With Brain Iron Accumulation and no experimental evidence demonstrating its impact on protein function have been reported. No submitters have cited clinical-significance assessments for this variant to ClinVar. Based on the evidence outlined above, the variant was classified as uncertain significance.